The following is an entry in ClinVar:

ClinVar aggregate classification (germline): Uncertain significance (1 of 4 stars; one submission).

Conditions:
SMARCA2-related disorder. Also called: SMARCA2-related condition.

Submission:

PreventionGenetics, part of Exact Sciences
Classification: Uncertain significance for SMARCA2-related condition. Last evaluated: 2026-06-30. Review status: criteria provided, single submitter. Criteria: ACMG Guidelines, 2015. Collection method: clinical testing. Allele origin: germline.
Comment: The SMARCA2 c.10C>G variant is predicted to result in the amino acid substitution p.Leu4Val. To our knowledge, this variant has not been reported in the literature or in a large population database (gnomAD), indicating this variant is rare. At this time, the clinical significance of this variant is uncertain due to the absence of conclusive functional and genetic evidence.

NM_003070.5(SMARCA2):c.3982-1860C>G

Gene: SMARCA2 (SWI/SNF related BAF chromatin remodeling complex subunit ATPase 2; plus strand). Cytogenetic location: 9p24.3.
Variant type: single nucleotide variant.
Coding change: c.3982-1860C>G on transcript NM_003070.5 (MANE Select); 1860 bases into the intron before coding-DNA position 3982, C replaced by G.
Molecular consequence: intron variant. On other transcripts: missense variant (2).
Genome position (GRCh38, 1-based): chr9:2,159,826, C>G. VCF-style: chr9-2159826-C-G. GRCh37 (hg19) VCF-style: chr9-2159826-C-G.
Other names: c.10C>G, p.Leu4Val (NM_001289399.2); c.16C>G, p.Leu6Val (NM_001289400.2); c.3982-1860C>G (NM_139045.4, NM_001289396.2); c.3808-1860C>G (NM_001289397.2); c.10-1860C>G (NM_001289398.2); short protein forms L4V, L6V.
Identifiers: ClinVar variation 4995827 (VCV004995827.1).
Genomic context (GRCh38, chr9:2,159,826, plus strand): 5'-TATATGAAAACACAGCCTTTCCCCAGCTCTCTTTTTTTTCCTGATCAGCTGATGAAGAGA[C>G]TAGCAGCTCGCTGCTTTGCTGGCTTGTTAATTTTATCCCCACTAACTGTGATTTCTGATA-3'